The following is an entry in ClinVar:

NM_001083116.3(PRF1):c.571C>G (p.Pro191Ala)

Gene: PRF1 (perforin 1; minus strand). Cytogenetic location: 10q22.1.
Variant type: single nucleotide variant.
Coding change: c.571C>G on transcript NM_001083116.3 (MANE Select); coding-DNA position 571, C replaced by G.
Protein change: p.Pro191Ala; replaces proline 191 with alanine.
Molecular consequence: missense variant.
Genome position (GRCh38, 1-based): chr10:70,599,150, G>C on the plus strand (C>G on the coding strand, the complement: PRF1 is on the minus strand). VCF-style: chr10-70599150-G-C. GRCh37 (hg19) VCF-style: chr10-72358906-G-C.
Other names: c.571C>G, p.Pro191Ala (NM_005041.6); short protein forms P191A.
Identifiers: ClinVar variation 1990627 (VCV001990627.5), dbSNP rs1397424804, ClinGen allele CA376959125.

ClinVar aggregate classification (germline): Uncertain significance. Review status: criteria provided, multiple submitters, no conflicts (2 of 4 stars). 2 submissions from 2 submitters: Uncertain significance (2). Last evaluated 2025-01-08.

Conditions:
Familial hemophagocytic lymphohistiocytosis 2 (FHL2). Also called: PRF1-Related Familial Hemophagocytic Lymphohistiocytosis (PRF1-fHLH). Identifiers: Orphanet 540, MedGen C1863727, MONDO:0011337, OMIM 603553.
Inborn genetic diseases. Identifiers: MedGen C0950123, MeSH D030342.

Allele frequency attached by ClinVar (database versions not stated): gnomAD 0.00001; TOPMed 0.00001.
gnomAD v4.1: 2 of 1,614,198 alleles (0.00012%); highest among the groups gnomAD compares: African/African-American, 0.0027%; no homozygotes.

Submissions (2):

Ambry Genetics
Classification: Uncertain significance for Inborn genetic diseases. Last evaluated: 2025-01-08. Review status: criteria provided, single submitter. Criteria: Ambry Variant Classification Scheme 2023. Collection method: clinical testing. Allele origin: germline.

Labcorp Genetics (formerly Invitae), Labcorp
Classification: Uncertain significance for Familial hemophagocytic lymphohistiocytosis 2. Last evaluated: 2022-02-18. Review status: criteria provided, single submitter. Criteria: Invitae Variant Classification Sherloc (09022015). Collection method: clinical testing. Allele origin: germline.
Comment: This sequence change replaces proline, which is neutral and non-polar, with alanine, which is neutral and non-polar, at codon 191 of the PRF1 protein (p.Pro191Ala). This variant is not present in population databases (gnomAD no frequency). This variant has not been reported in the literature in individuals affected with PRF1-related conditions. Algorithms developed to predict the effect of missense changes on protein structure and function are either unavailable or do not agree on the potential impact of this missense change (SIFT: "Tolerated"; PolyPhen-2: "Possibly Damaging"; Align-GVGD: "Class C0"). In summary, the available evidence is currently insufficient to determine the role of this variant in disease. Therefore, it has been classified as a Variant of Uncertain Significance.